The following is an entry in ClinVar:

ClinVar aggregate classification (germline): Uncertain significance. Review status: criteria provided, multiple submitters, no conflicts (2 of 4 stars). 2 submissions from 2 submitters: Uncertain significance (2). Last evaluated 2025-12-08.

Conditions:
Inborn genetic diseases. Identifiers: MedGen C0950123, MeSH D030342.

Allele frequency attached by ClinVar (database versions not stated): TOPMed 0.00004; gnomAD 0.00006; ExAC 0.00009; ESP Exome Variant Server 0.00009.
gnomAD v4.1: 74 of 1,523,022 alleles (0.0049%); highest among the groups gnomAD compares: Admixed American, 0.0099%; no homozygotes.

Submissions (2):

Labcorp Genetics (formerly Invitae), Labcorp
Classification: Uncertain significance. Last evaluated: 2025-12-08. Review status: criteria provided, single submitter. Criteria: Invitae Variant Classification Sherloc (09022015). Collection method: clinical testing. Allele origin: germline.
Comment: This sequence change replaces threonine, which is neutral and polar, with methionine, which is neutral and non-polar, at codon 548 of the PPP1R12A protein (p.Thr548Met). This variant is present in population databases (rs373258575, gnomAD 0.009%). This variant has not been reported in the literature in individuals affected with PPP1R12A-related conditions. ClinVar contains an entry for this variant (Variation ID: 2186623). An algorithm developed to predict the effect of missense changes on protein structure and function (PolyPhen-2) suggests that this variant is likely to be disruptive. In summary, the available evidence is currently insufficient to determine the role of this variant in disease. Therefore, it has been classified as a Variant of Uncertain Significance.

Ambry Genetics
Classification: Uncertain significance for Inborn genetic diseases. Last evaluated: 2023-06-01. Review status: criteria provided, single submitter. Criteria: Ambry Variant Classification Scheme 2023. Collection method: clinical testing. Allele origin: germline.

NM_002480.3(PPP1R12A):c.1643C>T (p.Thr548Met)

Gene: PPP1R12A (protein phosphatase 1 regulatory subunit 12A; minus strand). Cytogenetic location: 12q21.2.
Variant type: single nucleotide variant.
Coding change: c.1643C>T on transcript NM_002480.3 (MANE Select); coding-DNA position 1643, C replaced by T.
Protein change: p.Thr548Met; replaces threonine 548 with methionine.
Molecular consequence: missense variant.
Genome position (GRCh38, 1-based): chr12:79,807,238, G>A on the plus strand (C>T on the coding strand, the complement: PPP1R12A is on the minus strand). VCF-style: chr12-79807238-G-A. GRCh37 (hg19) VCF-style: chr12-80201018-G-A.
Other names: c.1643C>T, p.Thr548Met (NM_001143885.2, NM_001244990.2, NM_001244992.1); c.1382C>T, p.Thr461Met (NM_001143886.2); c.1643C>T (NM_002480.2); short protein forms T461M, T548M.
Identifiers: ClinVar variation 2186623 (VCV002186623.6), dbSNP rs373258575, ClinGen allele CA6699635.